The following is an entry in ClinVar:

NC_000003.11:g.(?_8772238)_(8775689_?)del

Gene: CAV3 (caveolin 3; plus strand). Cytogenetic location: 3p25.3.
Variant type: Deletion.
Identifiers: ClinVar variation 3246842 (VCV003246842.1).

ClinVar aggregate classification (germline): Pathogenic (1 of 4 stars; one submission).

Conditions:
Long QT syndrome (LQTS). Identifiers: MedGen C0023976, MeSH D008133, MONDO:0002442. Disease mechanism: loss of function. Inheritance: Various modes of inheritance.

Submission:

Labcorp Genetics (formerly Invitae), Labcorp
Classification: Pathogenic for Long QT syndrome. Last evaluated: 2023-02-27. Review status: criteria provided, single submitter. Criteria: Invitae Variant Classification Sherloc (09022015). Collection method: clinical testing. Allele origin: unknown.
Comment: This variant is a gross deletion of the genomic region encompassing exon(s) 1 of the CAV3 gene, which includes the initiator codon. This deletion extends beyond the assayed region for this gene and therefore may encompass additional genes. It is expected to result in an absent or disrupted protein product. Loss-of-function variants in CAV3 are known to be pathogenic (PMID: 18487559). This variant has not been reported in the literature in individuals affected with CAV3-related conditions. For these reasons, this variant has been classified as Pathogenic.

Literature cited by the submitters: PubMed 18487559.